The following is an entry in ClinVar:

NM_004006.3(DMD):c.9564-305dup

Gene: DMD (dystrophin; minus strand). Cytogenetic location: Xp21.2.
Variant type: Duplication.
Coding change: c.9564-305dup on transcript NM_004006.3 (MANE Select); 305 bases into the intron before coding-DNA position 9564, one base duplicated (T; older notation c.9564-305dupT).
Molecular consequence: intron variant.
Genome position (GRCh38, 1-based): chrX:31,206,964, A duplicated on the plus strand (T on the coding strand, the reverse complement: DMD is on the minus strand); the first of 9 consecutive A bases (chrX:31,206,964-31,206,972); duplicating any one gives the same sequence. VCF-style (leftmost placement, unchanged base first): chrX-31206963-G-GA. GRCh37 (hg19) VCF-style: chrX-31225080-G-GA.
Other names: c.9540-305dup (NM_000109.4); c.5541-305dup (NM_004011.4); c.5532-305dup (NM_004012.4); c.2184-305dup (NM_004023.3, NM_004020.4, NM_004022.3 and 2 more transcripts); c.1377-305dup (NM_004014.3); c.360-305dup (NM_004018.3, NM_004017.3, NM_004016.3 and 2 more transcripts); c.9552-305dup (NM_004009.3); c.9195-305dup (NM_004010.3).
Identifiers: ClinVar variation 678580 (VCV000678580.1), dbSNP rs60304693, ClinGen allele CA328407939.
Genomic context (GRCh38, chrX:31,206,963, plus strand): 5'-TTACCAAGTTTCAATTCCTAAAAACCCTTATTTGAACTGCAAAAGTTCTACATAAATTAA[G>GA]AAAAAAAAATTCTATTCACCTATGGAAAGCCACCTTGGTTTAAGTTGGTAAGCAGAAGAA-3'

ClinVar aggregate classification (germline): Likely benign (1 of 4 stars; one submission).

Submission:

GeneDx
Classification: Likely benign. Last evaluated: 2018-06-18. Review status: criteria provided, single submitter. Criteria: GeneDx Variant Classification (06012015). Collection method: clinical testing. Allele origin: germline. Affected: yes.
Comment: This variant is considered likely benign or benign based on one or more of the following criteria: it is a conservative change, it occurs at a poorly conserved position in the protein, it is predicted to be benign by multiple in silico algorithms, and/or has population frequency not consistent with disease.